The following is an entry in ClinVar:

ClinVar aggregate classification (germline): Uncertain significance. Review status: criteria provided, multiple submitters, no conflicts (2 of 4 stars). 2 submissions from 2 submitters: Uncertain significance (2). Last evaluated 2024-12-02.

Allele frequency attached by ClinVar (database versions not stated): gnomAD exomes below 0.00001; ExAC 0.00002; TOPMed 0.00004; gnomAD 0.00005; ESP Exome Variant Server 0.00008.
gnomAD v4.1: 13 of 1,606,202 alleles (0.00081%); highest among the groups gnomAD compares: African/African-American, 0.016%; no homozygotes.

Submissions (2):

Labcorp Genetics (formerly Invitae), Labcorp
Classification: Uncertain significance. Last evaluated: 2024-12-02. Review status: criteria provided, single submitter. Criteria: Invitae Variant Classification Sherloc (09022015). Collection method: clinical testing. Allele origin: germline.
Comment: This sequence change replaces glutamic acid, which is acidic and polar, with aspartic acid, which is acidic and polar, at codon 854 of the IARS2 protein (p.Glu854Asp). This variant is present in population databases (rs368357452, gnomAD 0.01%). This variant has not been reported in the literature in individuals affected with IARS2-related conditions. ClinVar contains an entry for this variant (Variation ID: 1476321). An algorithm developed to predict the effect of missense changes on protein structure and function (PolyPhen-2) suggests that this variant¬†is likely to be tolerated. In summary, the available evidence is currently insufficient to determine the role of this variant in disease. Therefore, it has been classified as a Variant of Uncertain Significance.

Breakthrough Genomics
Classification: Uncertain significance. Review status: criteria provided, single submitter. Criteria: ACMG Guidelines, 2015. Collection method: not provided. Allele origin: germline. Inheritance: Autosomal recessive inheritance. Affected: yes.

NM_018060.4(IARS2):c.2562G>C (p.Glu854Asp)

Gene: IARS2 (isoleucyl-tRNA synthetase 2, mitochondrial; plus strand). Cytogenetic location: 1q41.
Variant type: single nucleotide variant.
Coding change: c.2562G>C on transcript NM_018060.4 (MANE Select); coding-DNA position 2562, G replaced by C.
Protein change: p.Glu854Asp; replaces glutamic acid 854 with aspartic acid.
Molecular consequence: missense variant.
Genome position (GRCh38, 1-based): chr1:220,142,945, G>C. VCF-style: chr1-220142945-G-C. GRCh37 (hg19) VCF-style: chr1-220316287-G-C.
Other names: short protein forms E854D.
Identifiers: ClinVar variation 1476321 (VCV001476321.6), dbSNP rs368357452, ClinGen allele CA1401811.